The following is an entry in ClinVar:

ClinVar aggregate classification (germline): Likely benign (1 of 4 stars; one submission).

Submission:

GeneDx
Classification: Likely benign. Last evaluated: 2018-02-01. Review status: criteria provided, single submitter. Criteria: GeneDx Variant Classification (06012015). Collection method: clinical testing. Allele origin: germline. Affected: yes.
Comment: This variant is considered likely benign or benign based on one or more of the following criteria: it is a conservative change, it occurs at a poorly conserved position in the protein, it is predicted to be benign by multiple in silico algorithms, and/or has population frequency not consistent with disease.

NM_000209.4(PDX1):c.-50CTCCCGG[3]

Gene: PDX1 (pancreatic and duodenal homeobox 1; plus strand). Cytogenetic location: 13q12.2.
Variant type: Microsatellite.
Coding change: c.-50CTCCCGG[3] on transcript NM_000209.4 (MANE Select); three copies in a row of the 7-base unit CTCCCGG starting at c.-50; the reference has four copies in a row; one copy, 7 bases deleted.
Molecular consequence: 5 prime UTR variant.
Genome position (GRCh38, 1-based): chr13:27,920,110-27,920,116, CTCCCGG deleted; deleting any 7 consecutive bases within chr13:27,920,089-27,920,116 gives the same sequence; the position shown is the placement nearest the transcript's 3' end. VCF-style (leftmost placement, unchanged base first): chr13-27920088-ACTCCCGG-A. GRCh37 (hg19) VCF-style: chr13-28494225-ACTCCCGG-A.
Identifiers: ClinVar variation 422562 (VCV000422562.1), dbSNP rs193922352, ClinGen allele CA6927570.
Genomic context (GRCh38, chr13:27,920,088, plus strand): 5'-CAGGGGTGGCGCCGGGAGTGGGAACGCCACACAGTGCCAAATCCCCGGCTCCAGCTCCCG[ACTCCCGG>A]CTCCCGGCTCCCGGCTCCCGGTGCCCAATCCCGGGCCGCAGCCATGAACGGCGAGGAGCA-3'